The following is an entry in ClinVar:

NM_003060.4(SLC22A5):c.844del (p.Arg282fs)

Gene: SLC22A5 (solute carrier family 22 member 5; plus strand). Cytogenetic location: 5q31.1.
Variant type: Deletion.
Coding change: c.844del on transcript NM_003060.4 (MANE Select); coding-DNA position 844, one base deleted (C; older notation c.844delC).
Protein change: p.Arg282fs; shifts the reading frame from arginine 282.
Molecular consequence: frameshift variant.
Genome position (GRCh38, 1-based): chr5:132,387,044, C deleted; the last of 6 consecutive C bases (chr5:132,387,039-132,387,044); deleting any one gives the same sequence. VCF-style (leftmost placement, unchanged base first): chr5-132387038-TC-T. GRCh37 (hg19) VCF-style: chr5-131722730-TC-T.
Other names: c.916del, p.Arg306fs (NM_001308122.2); c.844delC (NM_003060.3); c.844del (NM_003060.3); short protein forms R282fs, R306fs.
Identifiers: ClinVar variation 25399 (VCV000025399.16), dbSNP rs386134209, ClinGen allele CA342660.

ClinVar aggregate classification (germline): Pathogenic. Review status: criteria provided, multiple submitters, no conflicts (2 of 4 stars). 7 submissions from 7 submitters: Pathogenic (6). 1 of the submissions does not count toward it. Last evaluated 2025-10-15.

Conditions:
Carnitine deficiency. Identifiers: MedGen C1142132.
Renal carnitine transport defect (CDSP). Also called: Systemic primary carnitine deficiency; Carnitine transporter deficiency; Primary carnitine deficiency; Carnitine Deficiency, Systemic; Systemic primary carnitine deficiency disease; CARNITINE DEFICIENCY, SYSTEMIC, DUE TO DEFECT IN RENAL REABSORPTION OF CARNITINE. Identifiers: Orphanet 158, MedGen C0342788, MONDO:0008919, OMIM 212140.

Submissions (7):

Natera, Inc.
Classification: Pathogenic for Carnitine deficiency. Last evaluated: 2025-10-15. Review status: criteria provided, single submitter. Criteria: Natera Variant Classification Schema (03/2026). Collection method: clinical testing. Allele origin: germline.
Comment: The c.844del variant in SLC22A5 is a frameshift variant predicted to shift the reading frame beginning at codon 282 and leads to a stop codon 14 codons downstream. This variant is expected to result in nonsense mediated decay, truncation, or a dysfunctional protein product. This variant is rare in the general population with a frequency below the threshold expected for the associated phenotype(s). This variant has been observed in one or more individuals affected with the associated recessive disease, as either homozygous or compound heterozygous with a second variant (PMID: 19238580, 15487009). Given the available evidence, this variant is classified as Pathogenic.

Labcorp Genetics (formerly Invitae), Labcorp
Classification: Pathogenic for Renal carnitine transport defect. Last evaluated: 2025-07-25. Review status: criteria provided, single submitter. Criteria: Invitae Variant Classification Sherloc (09022015). Collection method: clinical testing. Allele origin: germline.
Comment: This sequence change creates a premature translational stop signal (p.Arg282Aspfs*14) in the SLC22A5 gene. It is expected to result in an absent or disrupted protein product. Loss-of-function variants in SLC22A5 are known to be pathogenic (PMID: 9916797). This variant is not present in population databases (gnomAD no frequency). This premature translational stop signal has been observed in individual(s) with primary carnitine deficiency (PMID: 12210323). This variant is also known as g.17081delC. ClinVar contains an entry for this variant (Variation ID: 25399). Algorithms developed to predict the effect of sequence changes on RNA splicing suggest that this variant may create or strengthen a splice site. For these reasons, this variant has been classified as Pathogenic.

Revvity Omics, Revvity
Classification: Pathogenic for Renal carnitine transport defect. Last evaluated: 2025-01-02. Review status: criteria provided, single submitter. Criteria: ACMG Guidelines, 2015. Collection method: clinical testing. Allele origin: germline.

Baylor Genetics
Classification: Pathogenic for Renal carnitine transport defect. Last evaluated: 2023-05-03. Review status: criteria provided, single submitter. Criteria: ACMG Guidelines, 2015. Collection method: clinical testing. Allele origin: unknown.

Fulgent Genetics
Classification: Pathogenic for Renal carnitine transport defect. Last evaluated: 2021-12-23. Review status: criteria provided, single submitter. Criteria: ACMG Guidelines, 2015. Collection method: clinical testing. Allele origin: unknown.

Genome-Nilou Lab
Classification: Pathogenic for Renal carnitine transport defect. Last evaluated: 2021-07-15. Review status: criteria provided, single submitter. Criteria: ACMG Guidelines, 2015. Collection method: clinical testing. Allele origin: germline. Affected: no.

Counsyl
Classification: Pathogenic for Renal carnitine transport defect. Last evaluated: 2017-05-24. Review status: no assertion criteria provided. Collection method: clinical testing. Allele origin: unknown. Not counted in ClinVar's aggregate classification.

Literature cited by the submitters: PubMed 19238580 (cited by Natera, Inc. and Counsyl); PubMed 15487009 (cited by Natera, Inc.); PubMed 9916797 (cited by Labcorp Genetics (formerly Invitae), Labcorp); PubMed 12210323 (cited by Labcorp Genetics (formerly Invitae), Labcorp and Counsyl).